The following is an entry in ClinVar:

ClinVar aggregate classification (germline): Pathogenic. Review status: criteria provided, single submitter (1 of 4 stars). 3 submissions from 3 submitters: Pathogenic (1). 2 of the submissions do not count toward it. Last evaluated 2024-11-03.

Conditions:
Asphyxiating thoracic dystrophy 3. Also called: SHORT-RIB THORACIC DYSPLASIA 3 WITH OR WITHOUT POLYDACTYLY; POLYDACTYLY WITH NEONATAL CHONDRODYSTROPHY, TYPE I; SHORT-RIB THORACIC DYSPLASIA 3/6 WITH POLYDACTYLY, DIGENIC; Saldino-Noonan Syndrome; Short rib polydactyly syndrome 2B. Identifiers: Orphanet 474, Orphanet 93269, Orphanet 93270, Orphanet 93271, MedGen C0036069, MONDO:0013127, OMIM 613091.

Allele frequency attached by ClinVar (database versions not stated): gnomAD 0.00002; ESP Exome Variant Server 0.00017; TOPMed 0.00003; gnomAD exomes below 0.00001.
gnomAD v4.1: 4 of 1,611,436 alleles (0.00025%); highest among the groups gnomAD compares: African/African-American, 0.0053%; no homozygotes.

Submissions (3):

Myriad Genetics, Inc.
Classification: Pathogenic for Asphyxiating thoracic dystrophy 3. Last evaluated: 2024-11-03. Review status: criteria provided, single submitter. Criteria: Myriad Autosomal Dominant, Autosomal Recessive and X-Linked Classification Criteria (2023). Collection method: clinical testing. Allele origin: unknown.
Comment: NM_001377.2(DYNC2H1):c.11829C>G(Y3943*) is expected to be pathogenic in the context of DYNC2H1-related disorders. This variant is predicted to lead to an abnormal or absent protein product due to the creation of a premature termination codon in DYNC2H1, a gene where loss-of-function variants are known to be pathogenic. Please note: this variant was assessed in the context of healthy population screening.

Dan Cohn Lab, University Of California Los Angeles
Classification: Pathogenic for Asphyxiating thoracic dystrophy 3. Last evaluated: 2017-06-01. Review status: no assertion criteria provided. Collection method: research. Allele origin: unknown. Affected: yes. Not counted in ClinVar's aggregate classification.

University of Washington Center for Mendelian Genomics, University of Washington
Classification: Likely pathogenic for Asphyxiating thoracic dystrophy 3. Review status: no assertion criteria provided. Collection method: research. Allele origin: inherited. Affected: yes. Not counted in ClinVar's aggregate classification.

Literature cited by the submitters: PubMed 29068549 (cited by Dan Cohn Lab, University Of California Los Angeles and University of Washington Center for Mendelian Genomics, University of Washington).

NM_001377.3(DYNC2H1):c.11829C>G (p.Tyr3943Ter)

Gene: DYNC2H1 (dynein cytoplasmic 2 heavy chain 1; plus strand). Cytogenetic location: 11q22.3.
Variant type: single nucleotide variant.
Coding change: c.11829C>G on transcript NM_001377.3 (MANE Select); coding-DNA position 11829, C replaced by G.
Protein change: p.Tyr3943Ter; replaces tyrosine 3943 with a stop codon.
Molecular consequence: nonsense.
Genome position (GRCh38, 1-based): chr11:103,321,132, C>G. VCF-style: chr11-103321132-C-G. GRCh37 (hg19) VCF-style: chr11-103191861-C-G.
Other names: c.11850C>G, p.Tyr3950Ter (NM_001080463.2); short protein forms Y3950*, Y3943*.
Identifiers: ClinVar variation 446615 (VCV000446615.4), dbSNP rs369658526, ClinGen allele CA227433804.